The following is an entry in ClinVar:

NM_138694.4(PKHD1):c.4295del (p.Val1432fs)

Gene: PKHD1 (PKHD1 ciliary IPT domain containing fibrocystin/polyductin; minus strand). Cytogenetic location: 6p12.2.
Variant type: Deletion.
Coding change: c.4295del on transcript NM_138694.4 (MANE Select); coding-DNA position 4295, one base deleted (T; older notation c.4295delT).
Protein change: p.Val1432fs; shifts the reading frame from valine 1432.
Molecular consequence: frameshift variant.
Genome position (GRCh38, 1-based): chr6:52,025,515, A deleted on the plus strand (T on the coding strand, the reverse complement: PKHD1 is on the minus strand). VCF-style (leftmost placement, unchanged base first): chr6-52025514-CA-C. GRCh37 (hg19) VCF-style: chr6-51890312-CA-C.
Other names: c.4295del, p.Val1432fs (NM_170724.3); short protein forms V1432fs.
Identifiers: ClinVar variation 458596 (VCV000458596.10), dbSNP rs1246693314, ClinGen allele CA567636252.
Genomic context (GRCh38, chr6:52,025,514, plus strand): 5'-CAAGGGGTCACCCTCCAGGCTAACCTGGCAGAGAATGGTGTGGTCTCCCAAACTCAAAAT[CA>C]CACAAGTAAAAGGACCCGAGAGGTCAACCCGAACTGACCTCCTTCTAGAGTTAAGAAGCA-3'

ClinVar aggregate classification (germline): Pathogenic/Likely pathogenic. Review status: criteria provided, multiple submitters, no conflicts (2 of 4 stars). 3 submissions from 3 submitters: Pathogenic (2); Likely pathogenic (1). Last evaluated 2025-06-02.

Conditions:
Polycystic kidney disease 4 (PKD4). Also called: POLYCYSTIC KIDNEY AND HEPATIC DISEASE 1; POLYCYSTIC KIDNEY DISEASE, INFANTILE, TYPE I; POLYCYSTIC KIDNEY DISEASE 4 WITH OR WITHOUT POLYCYSTIC LIVER DISEASE; Autosomal Recessive Polycystic Kidney Disease – PKHD1; PKD3. Identifiers: MedGen C4540575, MONDO:0033004, OMIM 263200.
Autosomal recessive polycystic kidney disease (ARPKD). Also called: AR polycystic kidney disease. Identifiers: Orphanet 731, Orphanet 8378, MedGen C0085548, MeSH D017044, MONDO:0009889.

Allele frequency attached by ClinVar (database versions not stated): gnomAD exomes below 0.00001.

Submissions (3):

Natera, Inc.
Classification: Likely pathogenic for Autosomal recessive polycystic kidney disease. Last evaluated: 2025-06-02. Review status: criteria provided, single submitter. Criteria: Natera Variant Classification Schema (03/2026). Collection method: clinical testing. Allele origin: germline.
Comment: The c.4295delT variant in PKHD1 is a frameshift variant predicted to shift the reading frame beginning at codon 1432 and leads to a stop codon 3 codons downstream. This variant is expected to result in nonsense mediated decay, truncation, or a dysfunctional protein product. This variant is rare in the general population with a frequency below the threshold expected for the associated phenotype(s). Given the available evidence, this variant is classified as Likely Pathogenic.

Myriad Genetics, Inc.
Classification: Pathogenic for Polycystic kidney disease 4. Last evaluated: 2024-05-08. Review status: criteria provided, single submitter. Criteria: Myriad Autosomal Dominant, Autosomal Recessive and X-Linked Classification Criteria (2023). Collection method: clinical testing. Allele origin: unknown.
Comment: NM_138694.3(PKHD1):c.4295delT(V1432Gfs*3) is expected to be pathogenic in the context of autosomal recessive polycystic kidney disease, PKHD1-related. This variant is predicted to lead to an abnormal or absent protein product due to the creation of a premature termination codon in PKHD1, a gene where loss-of-function variants are known to be pathogenic. Please note: this variant was assessed in the context of healthy population screening.

Labcorp Genetics (formerly Invitae), Labcorp
Classification: Pathogenic for Autosomal recessive polycystic kidney disease. Last evaluated: 2020-03-23. Review status: criteria provided, single submitter. Criteria: Invitae Variant Classification Sherloc (09022015). Collection method: clinical testing. Allele origin: germline.
Comment: For these reasons, this variant has been classified as Pathogenic. Loss-of-function variants in PKHD1 are known to be pathogenic (PMID: 19940839). This variant has not been reported in the literature in individuals with PKHD1-related conditions. ClinVar contains an entry for this variant (Variation ID: 458596). This variant is not present in population databases (ExAC no frequency). This sequence change creates a premature translational stop signal (p.Val1432Glyfs*3) in the PKHD1 gene. It is expected to result in an absent or disrupted protein product.

Literature cited by the submitters: PubMed 19940839 (cited by Labcorp Genetics (formerly Invitae), Labcorp).